The following is an entry in ClinVar:

ClinVar aggregate classification (germline): Uncertain significance. Review status: criteria provided, multiple submitters, no conflicts (2 of 4 stars). 3 submissions from 3 submitters: Uncertain significance (3). Last evaluated 2025-01-16.

Conditions:
Familial adenomatous polyposis 1 (FAP1). Also called: POLYPOSIS, ADENOMATOUS INTESTINAL; FAMILIAL ADENOMATOUS POLYPOSIS 1, ATTENUATED. Identifiers: MedGen C2713442, MONDO:0021056, OMIM 175100. Disease mechanism: loss of function.
Hereditary cancer-predisposing syndrome. Also called: Hereditary Cancer Syndrome; Neoplastic Syndromes, Hereditary; Tumor predisposition; Hereditary neoplastic syndrome. Identifiers: Orphanet 140162, MedGen C0027672, MeSH D009386, MONDO:0015356.

Submissions (3):

Ambry Genetics
Classification: Uncertain significance for Hereditary cancer-predisposing syndrome. Last evaluated: 2025-01-16. Review status: criteria provided, single submitter. Criteria: Ambry Variant Classification Scheme 2023. Collection method: clinical testing. Allele origin: germline.
Comment: The c.1458_1459delTGinsCA variant (also known as p.G487R), located in coding exon 11 of the APC gene, results from an in-frame deletion of TG and insertion of CA at nucleotide positions 1458 to 1459. This results in the substitution of the glycine residue for an arginine residue at codon 487, an amino acid with dissimilar properties. This amino acid position is highly conserved in available vertebrate species. In silico predictors for this gene do not accurately predict pathogenicity. Based on the available evidence, the clinical significance of this variant remains unclear.

Labcorp Genetics (formerly Invitae), Labcorp
Classification: Uncertain significance for Familial adenomatous polyposis 1. Last evaluated: 2024-11-06. Review status: criteria provided, single submitter. Criteria: Invitae Variant Classification Sherloc (09022015). Collection method: clinical testing. Allele origin: germline.
Comment: This sequence change replaces glycine, which is neutral and non-polar, with arginine, which is basic and polar, at codon 487 of the APC protein (p.Gly487Arg). Information on the frequency of this variant in the gnomAD database is not available, as this variant may be reported differently in the database. This variant has not been reported in the literature in individuals affected with APC-related conditions. ClinVar contains an entry for this variant (Variation ID: 490204). Experimental studies and prediction algorithms are not available or were not evaluated, and the functional significance of this variant is currently unknown. In summary, the available evidence is currently insufficient to determine the role of this variant in disease. Therefore, it has been classified as a Variant of Uncertain Significance.

Color Diagnostics, LLC DBA Color Health
Classification: Uncertain significance for Hereditary cancer-predisposing syndrome. Last evaluated: 2019-02-14. Review status: criteria provided, single submitter. Criteria: ACMG Guidelines, 2015. Collection method: clinical testing. Allele origin: germline.

NM_000038.6(APC):c.1458_1459inv (p.Gly487Arg)

Gene: APC (APC regulator of Wnt signaling pathway; plus strand). Cytogenetic location: 5q22.2.
Variant type: Inversion.
Coding change: c.1458_1459inv on transcript NM_000038.6 (MANE Select).
Protein change: p.Gly487Arg; replaces glycine 487 with arginine.
Molecular consequence: missense variant.
Genome position: GRCh38 VCF-style: chr5-112827157-TG-CA. GRCh37 (hg19) VCF-style: chr5-112162854-TG-CA.
Other names: c.1458_1459inv, p.Gly487Arg (NM_001127510.3, NM_001354895.2); c.1404_1405inv, p.Gly469Arg (NM_001127511.3); c.1512_1513inv, p.Gly505Arg (NM_001354896.2); c.1488_1489inv, p.Gly497Arg (NM_001354897.2); c.1383_1384inv, p.Gly462Arg (NM_001354898.2); c.1374_1375inv, p.Gly459Arg (NM_001354899.2); c.1335_1336inv, p.Gly446Arg (NM_001354900.2); c.1281_1282inv, p.Gly428Arg (NM_001354901.2); and 6 more; short protein forms G386R, G428R, G462R, G497R, G446R, G459R, G327R, G361R.
Identifiers: ClinVar variation 490204 (VCV000490204.17), ClinGen allele CA658683405.